The following is an entry in ClinVar:

NM_000548.5(TSC2):c.1159C>T (p.Leu387=)

Gene: TSC2 (TSC complex subunit 2; plus strand). Cytogenetic location: 16p13.3.
Variant type: single nucleotide variant.
Coding change: c.1159C>T on transcript NM_000548.5 (MANE Select); coding-DNA position 1159, C replaced by T.
Protein change: p.Leu387=; no amino-acid change (leucine 387 retained).
Molecular consequence: synonymous variant. On other transcripts: 5 prime UTR variant (10), non-coding transcript variant (5).
Genome position (GRCh38, 1-based): chr16:2,061,910, C>T. VCF-style: chr16-2061910-C-T. GRCh37 (hg19) VCF-style: chr16-2111911-C-T.
Other names: c.1159C>T, p.Leu387= (NM_001077183.3, NM_001114382.3, NM_001363528.2 and 6 more transcripts); c.1048C>T, p.Leu350= (NM_001318827.2, NM_001406670.1, NM_001406678.1); c.1012C>T, p.Leu338= (NM_001318829.2, NM_001406675.1, NM_001406676.1 and 1 more transcripts); c.559C>T, p.Leu187= (NM_001318831.2, NM_001406680.1, NM_001406682.1 and 6 more transcripts); c.1192C>T, p.Leu398= (NM_001318832.2); c.1249C>T, p.Leu417= (NM_001406667.1, NM_001406668.1); c.1147C>T, p.Leu383= (NM_001406671.1, NM_001406673.1); c.1102C>T, p.Leu368= (NM_001406677.1); and 4 more.
Identifiers: ClinVar variation 2113954 (VCV002113954.7), dbSNP rs1307333182, ClinGen allele CA492961782.

ClinVar aggregate classification (germline): Benign/Likely benign. Review status: criteria provided, multiple submitters, no conflicts (2 of 4 stars). 4 submissions from 4 submitters: Benign (1); Likely benign (3). Last evaluated 2025-08-30.

Conditions:
Tuberous sclerosis syndrome (TSC). Also called: Tuberous Sclerosis Complex; Tuberous sclerosis. Identifiers: Orphanet 805, MedGen C0041341, MONDO:0001734.
Hereditary cancer-predisposing syndrome. Also called: Tumor predisposition; Hereditary Cancer Syndrome; Neoplastic Syndromes, Hereditary; Hereditary neoplastic syndrome. Identifiers: Orphanet 140162, MedGen C0027672, MeSH D009386, MONDO:0015356.
Tuberous sclerosis 2 (TSC2). Identifiers: Orphanet 805, MedGen C1860707, MONDO:0013199, OMIM 613254.

Allele frequency attached by ClinVar (database versions not stated): gnomAD 0.00001.
gnomAD v4.1: 2 of 1,614,108 alleles (0.00012%); highest among the groups gnomAD compares: Non-Finnish European, 0.00017%; no homozygotes.

Submissions (4):

Color Diagnostics, LLC DBA Color Health
Classification: Likely benign for Tuberous sclerosis syndrome. Last evaluated: 2025-08-30. Review status: criteria provided, single submitter. Criteria: ACMG Guidelines, 2015. Collection method: clinical testing. Allele origin: germline.

Labcorp Genetics (formerly Invitae), Labcorp
Classification: Likely benign for Tuberous sclerosis 2. Last evaluated: 2025-06-08. Review status: criteria provided, single submitter. Criteria: Invitae Variant Classification Sherloc (09022015). Collection method: clinical testing. Allele origin: germline.

Myriad Genetics, Inc.
Classification: Benign for Tuberous sclerosis 2. Last evaluated: 2025-05-13. Review status: criteria provided, single submitter. Criteria: Myriad Autosomal Dominant, Autosomal Recessive and X-Linked Classification Criteria (2023). Collection method: clinical testing. Allele origin: unknown.
Comment: This variant is considered benign. This variant is a silent/synonymous amino acid change and it is not expected to impact splicing.

Ambry Genetics
Classification: Likely benign for Hereditary cancer-predisposing syndrome. Last evaluated: 2024-10-28. Review status: criteria provided, single submitter. Criteria: Ambry Variant Classification Scheme 2023. Collection method: clinical testing. Allele origin: germline.